The following is an entry in ClinVar:

ClinVar aggregate classification (germline): Pathogenic (1 of 4 stars; one submission).

Conditions:
Duchenne muscular dystrophy (DMD). Also called: MUSCULAR DYSTROPHY, PSEUDOHYPERTROPHIC PROGRESSIVE, DUCHENNE TYPE; Duchenne Muscular Dystrophy (DMD). Identifiers: Orphanet 98896, MedGen C0013264, MONDO:0010679, OMIM 310200.

Submission:

Labcorp Genetics (formerly Invitae), Labcorp
Classification: Pathogenic for Duchenne muscular dystrophy. Last evaluated: 2023-04-20. Review status: criteria provided, single submitter. Criteria: Invitae Variant Classification Sherloc (09022015). Collection method: clinical testing. Allele origin: unknown.
Comment: For these reasons, this variant has been classified as Pathogenic. This variant has not been reported in the literature in individuals affected with DMD-related conditions. This variant is a gross deletion of the genomic region encompassing exon(s) 22-36 of the DMD gene. This deletion is out-of-frame, and is expected to create a premature termination codon and result in an absent or disrupted protein product. Loss-of-function variants in DMD are known to be pathogenic (PMID: 16770791, 25007885).

Literature cited by the submitters: PubMed 16770791; PubMed 25007885.

NC_000023.10:g.(?_32382679)_(32490446_?)del

Gene: DMD (dystrophin; minus strand). Cytogenetic location: Xp21.1.
Variant type: Deletion.
Identifiers: ClinVar variation 3246451 (VCV003246451.1).